The following is an entry in ClinVar:

ClinVar aggregate classification (germline): Conflicting classifications of pathogenicity. Review status: criteria provided, conflicting classifications (1 of 4 stars). 4 submissions from 4 submitters: Uncertain significance (1); Likely benign (3). Last evaluated 2025-11-04.

Conditions:
Multiple endocrine neoplasia, type 2 (MEN2). Identifiers: Orphanet 653, MedGen C4048306, MONDO:0019003. Disease mechanism: gain of function.
Multiple endocrine neoplasia type 2B. Also called: MUCOSAL NEUROMA SYNDROME; MEN 2B; Multiple endocrine neoplasia, type 3; MULTIPLE ENDOCRINE NEOPLASIA, TYPE IIB; MEN IIB; NEUROMATA, MUCOSAL, WITH ENDOCRINE TUMORS. Identifiers: Orphanet 247709, Orphanet 653, MedGen C0025269, MeSH D018814, MONDO:0008082, OMIM 162300.
Pheochromocytoma. Also called: MAX-Related Hereditary Paraganglioma-Pheochromocytoma Syndrome. Identifiers: Orphanet 29072, MedGen C0031511, MONDO:0008233, OMIM 171300, HP:0002666.
Familial medullary thyroid carcinoma (MTC). Also called: Thyroid cancer, familial medullary; MTC, familial; Familial Medullary Thyroid Carcinoma (FMTC). Identifiers: Orphanet 653, Orphanet 99361, MedGen C1833921, MONDO:0007958, OMIM 155240.
Hirschsprung disease, susceptibility to, 1 (HSCR1). Also called: RET-Related Hirschsprung Disease. Identifiers: Orphanet 388, MedGen C3888239, MONDO:0007723, OMIM 142623.
Multiple endocrine neoplasia type 2A. Also called: MULTIPLE ENDOCRINE NEOPLASIA, TYPE IIA; PTC SYNDROME; SIPPLE SYNDROME; MEN 2A; MEN-2A syndrome; Pheochromocytoma and amyloid producing medullary thyroid carcinoma. Identifiers: Orphanet 247698, Orphanet 653, MedGen C0025268, MeSH D018813, MONDO:0008234, OMIM 171400.

Allele frequency attached by ClinVar (database versions not stated): gnomAD exomes below 0.00001; gnomAD 0.00001; ExAC 0.00002; ESP Exome Variant Server 0.00008.
gnomAD v4.1: 1 of 1,605,280 alleles (0.000062%); highest among the groups gnomAD compares: African/African-American, 0.0013%; no homozygotes.

Submissions (4):

Labcorp Genetics (formerly Invitae), Labcorp
Classification: Likely benign for Multiple endocrine neoplasia, type 2. Last evaluated: 2025-11-04. Review status: criteria provided, single submitter. Criteria: Invitae Variant Classification Sherloc (09022015). Collection method: clinical testing. Allele origin: germline.

All of Us Research Program, National Institutes of Health
Classification: Likely benign for Multiple endocrine neoplasia, type 2. Last evaluated: 2024-05-14. Review status: criteria provided, single submitter. Criteria: ACMG Guidelines, 2015. Collection method: clinical testing. Allele origin: germline. Inheritance: Autosomal dominant inheritance. Observed: 5 variant alleles, 5 heterozygotes.
Comment: This study involves interpretation of variants in research participants for the purpose of population health screening. Participant phenotype was not available at the time of variant classification. Additional details can be found in publication PMID: 35346344, PMCID: PMC8962531

Color Diagnostics, LLC DBA Color Health
Classification: Likely benign for Multiple endocrine neoplasia, type 2. Last evaluated: 2024-04-11. Review status: criteria provided, single submitter. Criteria: ACMG Guidelines, 2015. Collection method: clinical testing. Allele origin: germline.

Fulgent Genetics
Classification: Uncertain significance for Hirschsprung disease, susceptibility to, 1; Familial medullary thyroid carcinoma; Multiple endocrine neoplasia type 2B; Pheochromocytoma; Multiple endocrine neoplasia type 2A. Last evaluated: 2023-12-24. Review status: criteria provided, single submitter. Criteria: ACMG Guidelines, 2015. Collection method: clinical testing. Allele origin: germline.

NM_020975.6(RET):c.1880-12C>G

Gene: RET (ret proto-oncogene; plus strand). Cytogenetic location: 10q11.21.
Variant type: single nucleotide variant.
Coding change: c.1880-12C>G on transcript NM_020975.6 (MANE Select); 12 bases into the intron before coding-DNA position 1880, C replaced by G.
Molecular consequence: intron variant.
Genome position (GRCh38, 1-based): chr10:43,114,468, C>G. VCF-style: chr10-43114468-C-G. GRCh37 (hg19) VCF-style: chr10-43609916-C-G.
Other names: c.1880-12C>G (NM_020630.7, NM_001406743.1, NM_001406744.1 and 2 more transcripts); c.1880-147C>G (NM_001406765.1, NM_001406763.1); c.1484-12C>G (NM_001406772.1, NM_001406769.1); c.1442-12C>G (NM_001406773.1, NM_001406771.1); c.983-12C>G (NM_001406782.1, NM_001406780.1, NM_001406779.1 and 1 more transcripts); c.983-147C>G (NM_001406787.1); c.863-12C>G (NM_001406785.1); c.1751-12C>G (NM_001406764.1, NM_001406762.1, NM_001406761.1); and 10 more.
Identifiers: ClinVar variation 1636595 (VCV001636595.12), dbSNP rs374893494, ClinGen allele CA036097.
Genomic context (GRCh38, chr10:43,114,468, plus strand): 5'-AGCATACGCAGCCTGTACCCAGTGGTGCCGAGCCTCTGGCGGTGCCAAGCCTCACACCAC[C>G]CCCACCCACAGATCCACTGTGCGACGAGCTGTGCCGCACGGTGATCGCAGCCGCTGTCCT-3'